The following is an entry in ClinVar:

ClinVar aggregate classification (germline): Conflicting classifications of pathogenicity. Review status: criteria provided, conflicting classifications (1 of 4 stars). 2 submissions from 2 submitters: Uncertain significance (1); Likely benign (1). Last evaluated 2023-12-07.

Submissions (2):

Labcorp Genetics (formerly Invitae), Labcorp
Classification: Likely benign. Last evaluated: 2023-12-07. Review status: criteria provided, single submitter. Criteria: Invitae Variant Classification Sherloc (09022015). Collection method: clinical testing. Allele origin: germline.

GeneDx
Classification: Uncertain significance. Last evaluated: 2022-11-29. Review status: criteria provided, single submitter. Criteria: GeneDx Variant Classification Process June 2021. Collection method: clinical testing. Allele origin: germline. Affected: yes.
Comment: Not observed at significant frequency in large population cohorts (gnomAD); In silico analysis suggests this variant may impact gene splicing. In the absence of RNA/functional studies, the actual effect of this sequence change is unknown.; Has not been previously published as pathogenic or benign to our knowledge

NM_001356.5(DDX3X):c.1203C>T (p.Ile401=)

Gene: DDX3X (DEAD-box helicase 3 X-linked; plus strand). Cytogenetic location: Xp11.4.
Variant type: single nucleotide variant.
Coding change: c.1203C>T on transcript NM_001356.5 (MANE Select); coding-DNA position 1203, C replaced by T.
Protein change: p.Ile401=; no amino-acid change (isoleucine 401 retained).
Molecular consequence: synonymous variant. On other transcripts: non-coding transcript variant (1).
Genome position (GRCh38, 1-based): chrX:41,345,436, C>T. VCF-style: chrX-41345436-C-T. GRCh37 (hg19) VCF-style: chrX-41204689-C-T.
Other names: c.1203C>T (NM_001193416.1); c.1203C>T, p.Ile401= (NM_001193416.3); c.1155C>T, p.Ile385= (NM_001193417.3); c.645C>T, p.Ile215= (NM_001363819.1).
Identifiers: ClinVar variation 2119331 (VCV002119331.5), dbSNP rs2519519335, ClinGen allele CA516347600.